The following is an entry in ClinVar:

ClinVar aggregate classification (germline): Conflicting classifications of pathogenicity. Review status: criteria provided, conflicting classifications (1 of 4 stars). 5 submissions from 5 submitters: Uncertain significance (2); Benign (1); Likely benign (2). Last evaluated 2026-01-08.

Conditions:
ABCA4-related disorder. Also called: ABCA4-related condition; ABCA4-related disorders. Identifiers: MedGen CN239167.

Allele frequency attached by ClinVar (database versions not stated): gnomAD exomes 0.00003 and 0.00008; ExAC 0.00004; TOPMed 0.00005; gnomAD 0.00006; ESP Exome Variant Server 0.00008.
gnomAD v4.1: 115 of 1,597,938 alleles (0.0072%); highest among the groups gnomAD compares: Non-Finnish European, 0.0095%; no homozygotes.

Submissions (5):

Labcorp Genetics (formerly Invitae), Labcorp
Classification: Likely benign. Last evaluated: 2026-01-08. Review status: criteria provided, single submitter. Criteria: Invitae Variant Classification Sherloc (09022015). Collection method: clinical testing. Allele origin: germline.

PreventionGenetics, part of Exact Sciences
Classification: Likely benign for ABCA4-related condition. Last evaluated: 2024-10-30. Review status: criteria provided, single submitter. Criteria: ACMG Guidelines, 2015. Collection method: clinical testing. Allele origin: germline.
Comment: This variant is classified as likely benign based on ACMG/AMP sequence variant interpretation guidelines (Richards et al. 2015 PMID: 25741868, with internal and published modifications).

Blueprint Genetics
Classification: Uncertain significance. Last evaluated: 2023-02-02. Review status: criteria provided, single submitter. Criteria: ACMG Guidelines, 2015. Collection method: clinical testing. Allele origin: germline.

Illumina Laboratory Services, Illumina
Classification: Uncertain significance for ABCA4-Related Disorders. Last evaluated: 2018-01-15. Review status: criteria provided, single submitter. Criteria: ICSL Variant Classification Criteria 13 December 2019. Collection method: clinical testing. Allele origin: germline.

GeneDx
Classification: Benign. Last evaluated: 2014-05-27. Review status: criteria provided, single submitter. Criteria: GeneDx Variant Classification (06012015). Collection method: clinical testing. Allele origin: germline. Affected: yes.
Comment: This variant is considered likely benign or benign based on one or more of the following criteria: it is a conservative change, it occurs at a poorly conserved position in the protein, it is predicted to be benign by multiple in silico algorithms, and/or has population frequency not consistent with disease.

NM_000350.3(ABCA4):c.3523-9C>G

Gene: ABCA4 (ATP binding cassette subfamily A member 4; minus strand). Cytogenetic location: 1p22.1.
Variant type: single nucleotide variant.
Coding change: c.3523-9C>G on transcript NM_000350.3 (MANE Select); 9 bases into the intron before coding-DNA position 3523, C replaced by G.
Molecular consequence: intron variant.
Genome position (GRCh38, 1-based): chr1:94,040,136, G>C on the plus strand (C>G on the coding strand, the complement: ABCA4 is on the minus strand). VCF-style: chr1-94040136-G-C. GRCh37 (hg19) VCF-style: chr1-94505692-G-C.
Identifiers: ClinVar variation 136240 (VCV000136240.15), dbSNP rs374302531, ClinGen allele CA289218.